The following is an entry in ClinVar:

NR_003051.4(RMRP):n.181dup

Gene: RMRP (RNA component of mitochondrial RNA processing endoribonuclease; minus strand). Cytogenetic location: 9p13.3.
Variant type: Duplication.
Genome position: GRCh38 VCF-style: chr9-35657838-C-CG. GRCh37 (hg19) VCF-style: chr9-35657835-C-CG.
Identifiers: ClinVar variation 465202 (VCV000465202.14), dbSNP rs940080676, ClinGen allele CA192745582.

ClinVar aggregate classification (germline): Pathogenic/Likely pathogenic. Review status: criteria provided, multiple submitters, no conflicts (2 of 4 stars). 4 submissions from 4 submitters: Pathogenic (1); Likely pathogenic (2). 1 of the submissions does not count toward it. Last evaluated 2025-12-26.

Conditions:
RMRP-related disorder. Also called: RMRP-related condition.
Anauxetic dysplasia. Identifiers: Orphanet 93347, MedGen C1846796, MONDO:0011773.
Metaphyseal chondrodysplasia, McKusick type (CHH). Also called: Cartilage-hair hypoplasia; Cartilage-Hair Hypoplasia (CHH). Identifiers: Orphanet 175, MedGen C0220748, MONDO:0009595, OMIM 250250.

Allele frequency attached by ClinVar (database versions not stated): gnomAD exomes 0.00002; gnomAD 0.00015; TOPMed 0.00026; 1000 Genomes Project 30x 0.00031.

Submissions (4):

Labcorp Genetics (formerly Invitae), Labcorp
Classification: Pathogenic for Anauxetic dysplasia. Last evaluated: 2025-12-26. Review status: criteria provided, single submitter. Criteria: Invitae Variant Classification Sherloc (09022015). Collection method: clinical testing. Allele origin: germline.
Comment: This variant occurs in the RMRP gene, which encodes an RNA molecule that does not result in a protein product. This variant is present in population databases (no rsID available, gnomAD 0.01%). This variant has been observed in individual(s) with clinical features of cartilage-hair hypoplasia anauxetic dysplasia spectrum disorder (PMID: 16838329; internal data). In at least one individual the data is consistent with being in trans (on the opposite chromosome) from a pathogenic variant. This variant is also known as 179_180insC. ClinVar contains an entry for this variant (Variation ID: 465202). For these reasons, this variant has been classified as Pathogenic.

PreventionGenetics, part of Exact Sciences
Classification: Likely pathogenic for RMRP-related condition. Last evaluated: 2025-08-25. Review status: criteria provided, single submitter. Criteria: ACMG Guidelines, 2015. Collection method: clinical testing. Allele origin: germline.
Comment: The RMRP n.180dupC variant is predicted to result in an in-frame duplication (Non-Coding). This variant has been reported in the compound heterozygous state in an individual with cartilage-hair hypoplasia (reported as n.179_180insC in Hermanns et al. 2006. PubMed ID: 16838329) and in an individual suspected of having a skeletal disorder, although zygosity of this variant was not provided (Table S5, MacCarrick et al. 2024. PubMed ID: 38702915). This variant is reported in 0.0082% of alleles in individuals of Latino descent in gnomAD. This variant is interpreted as likely pathogenic.

Women's Health and Genetics/Laboratory Corporation of America, LabCorp
Classification: Likely pathogenic for Metaphyseal chondrodysplasia, McKusick type. Last evaluated: 2025-05-02. Review status: criteria provided, single submitter. Criteria: LabCorp Variant Classification Summary - May 2015. Collection method: clinical testing. Allele origin: germline.
Comment: Variant summary: RMRP n.180dupC (also known as NC_000009.11: chr9:g.35657836dupG or 179_180insC in the literature) alters a nucleotide in the non-coding RNA. The variant allele was found at a frequency of 2.3e-05 in 130180 control chromosomes (gnomAD). n.180dupC has been observed in individual(s) affected with Cartilage-Hair Hypoplasia where it was seen in trans with a pathogenic variant (Hermanns_2006, internal testing). These data indicate that the variant may be associated with disease. To our knowledge, no experimental evidence demonstrating an impact on protein function has been reported. The following publication has been ascertained in the context of this evaluation (PMID: 16838329). ClinVar contains an entry for this variant (Variation ID: 465202). Based on the evidence outlined above, the variant was classified as likely pathogenic.

Natera, Inc.
Classification: Uncertain significance for Cartilage-hair hypoplasia. Last evaluated: 2020-02-25. Review status: no assertion criteria provided. Collection method: clinical testing. Allele origin: germline. Not counted in ClinVar's aggregate classification.

Literature cited by the submitters: PubMed 16838329 (cited by Labcorp Genetics (formerly Invitae), Labcorp and Women's Health and Genetics/Laboratory Corporation of America, LabCorp).